The following is an entry in ClinVar:

ClinVar aggregate classification (germline): Uncertain significance (1 of 4 stars; one submission).

Conditions:
Xanthinuria type II. Also called: Xanthine dehydrogenase and aldehyde oxidase combined deficiency of; XDH and AOX dual deficiency. Identifiers: Orphanet 3467, Orphanet 93602, MedGen C1863688, MONDO:0011346, OMIM 603592.

Allele frequency attached by ClinVar (database versions not stated): ExAC 0.00002; gnomAD exomes 0.00002; TOPMed 0.00002; gnomAD 0.00003.
gnomAD v4.1: 20 of 1,614,048 alleles (0.0012%); highest among the groups gnomAD compares: Middle Eastern, 0.016%; no homozygotes.

Submission:

Labcorp Genetics (formerly Invitae), Labcorp
Classification: Uncertain significance for Xanthinuria type II. Last evaluated: 2022-07-02. Review status: criteria provided, single submitter. Criteria: Invitae Variant Classification Sherloc (09022015). Collection method: clinical testing. Allele origin: germline.
Comment: In summary, the available evidence is currently insufficient to determine the role of this variant in disease. Therefore, it has been classified as a Variant of Uncertain Significance. Algorithms developed to predict the effect of missense changes on protein structure and function (SIFT, PolyPhen-2, Align-GVGD) all suggest that this variant is likely to be tolerated. This variant has not been reported in the literature in individuals affected with XDH-related conditions. This variant is present in population databases (rs763111945, gnomAD 0.01%). This sequence change replaces threonine, which is neutral and polar, with isoleucine, which is neutral and non-polar, at codon 1067 of the XDH protein (p.Thr1067Ile).

NM_000379.4(XDH):c.3200C>T (p.Thr1067Ile)

Gene: XDH (xanthine dehydrogenase; minus strand). Cytogenetic location: 2p23.1.
Variant type: single nucleotide variant.
Coding change: c.3200C>T on transcript NM_000379.4 (MANE Select); coding-DNA position 3200, C replaced by T.
Protein change: p.Thr1067Ile; replaces threonine 1067 with isoleucine.
Molecular consequence: missense variant.
Genome position (GRCh38, 1-based): chr2:31,347,598, G>A on the plus strand (C>T on the coding strand, the complement: XDH is on the minus strand). VCF-style: chr2-31347598-G-A. GRCh37 (hg19) VCF-style: chr2-31570464-G-A.
Other names: short protein forms T1067I.
Identifiers: ClinVar variation 2155846 (VCV002155846.4), dbSNP rs763111945, ClinGen allele CA1598501.
Genomic context (GRCh38, chr2:31,347,598, plus strand): 5'-TTGAGGTCAGCGCTGACAGAGGCAGCCGTGGGAGAGGTGTTGGGCACAGTGTTAGTGCTT[G>A]TCTCGCTGATATAAATCTTAGAGGTGGGGATTTTCAGAGCTCTACTGGCCACCTGCGAAA-3'
Protein context (NP_000370.2, residues 1057-1077): IPTSKIYISE[Thr1067Ile]STNTVPNTSP